The following is an entry in ClinVar:

NM_015488.5(PNKD):c.384G>A (p.Ser128=)

Genes: CATIP-AS2 (CATIP antisense RNA 2; minus strand), PNKD (PNKD metallo-beta-lactamase domain containing; plus strand). Cytogenetic location: 2q35.
Variant type: single nucleotide variant.
Coding change: c.384G>A on transcript NM_015488.5 (MANE Select); coding-DNA position 384, G replaced by A.
Protein change: p.Ser128=; no amino-acid change (serine 128 retained).
Molecular consequence: synonymous variant.
Genome position (GRCh38, 1-based): chr2:218,340,060, G>A. VCF-style: chr2-218340060-G-A. GRCh37 (hg19) VCF-style: chr2-219204783-G-A.
Other names: c.312G>A, p.Ser104= (NM_022572.5).
Identifiers: ClinVar variation 961113 (VCV000961113.11), dbSNP rs544137720, ClinGen allele CA2103933.

ClinVar aggregate classification (germline): Uncertain significance (1 of 4 stars; one submission).

Conditions:
Paroxysmal nonkinesigenic dyskinesia. Also called: Paroxysmal non-kinesigenic dyskinesia. Identifiers: Orphanet 98810, MedGen C1869117, MONDO:0700088.

Allele frequency attached by ClinVar (database versions not stated): ExAC 0.00004; TOPMed 0.00004; gnomAD 0.00006 and 0.00007; 1000 Genomes Project 30x 0.00016; 1000 Genomes Project 0.00020.
gnomAD v4.1: 48 of 1,613,576 alleles (0.003%); highest among the groups gnomAD compares: African/African-American, 0.015%; no homozygotes.

Submissions (2):

Labcorp Genetics (formerly Invitae), Labcorp
Classification: Uncertain significance for Paroxysmal nonkinesigenic dyskinesia. Last evaluated: 2024-06-24. Review status: criteria provided, single submitter. Criteria: Invitae Variant Classification Sherloc (09022015). Collection method: clinical testing. Allele origin: germline.
Comment: This sequence change affects codon 128 of the PNKD mRNA. It is a 'silent' change, meaning that it does not change the encoded amino acid sequence of the PNKD protein. This variant is present in population databases (rs544137720, gnomAD 0.007%). This variant has not been reported in the literature in individuals affected with PNKD-related conditions. ClinVar contains an entry for this variant (Variation ID: 961113). Algorithms developed to predict the effect of sequence changes on RNA splicing suggest that this variant may create or strengthen a splice site. In summary, the available evidence is currently insufficient to determine the role of this variant in disease. Therefore, it has been classified as a Variant of Uncertain Significance.

Dr. Peter K. Rogan Lab, Western University
No classification provided (evidence only). Condition: Melanoma. Review status: no classification provided. Collection method: in vitro. Allele origin: not applicable. Functional consequence: retained intron. Not counted in ClinVar's aggregate classification.